The following is an entry in ClinVar:

NM_001440.4(EXTL3):c.1050dup (p.Glu351Ter)

Gene: EXTL3 (exostosin like glycosyltransferase 3; plus strand). Cytogenetic location: 8p21.1.
Variant type: Duplication.
Coding change: c.1050dup on transcript NM_001440.4 (MANE Select); coding-DNA position 1050, one base duplicated (T; older notation c.1050dupT).
Protein change: p.Glu351Ter; replaces glutamic acid 351 with a stop codon.
Molecular consequence: nonsense.
Genome position (GRCh38, 1-based): chr8:28,717,109, T duplicated; the last of 2 consecutive T bases (chr8:28,717,108-28,717,109); duplicating either gives the same sequence. VCF-style (leftmost placement, unchanged base first): chr8-28717107-A-AT. GRCh37 (hg19) VCF-style: chr8-28574624-A-AT.
Other names: short protein forms E351*.
Identifiers: ClinVar variation 1492509 (VCV001492509.6), dbSNP rs1343287159, ClinGen allele CA580955694.

ClinVar aggregate classification (germline): Uncertain significance (1 of 4 stars; one submission).

Submission:

Labcorp Genetics (formerly Invitae), Labcorp
Classification: Uncertain significance. Last evaluated: 2021-09-16. Review status: criteria provided, single submitter. Criteria: Invitae Variant Classification Sherloc (09022015). Collection method: clinical testing. Allele origin: germline.
Comment: In summary, the available evidence is currently insufficient to determine the role of this variant in disease. Therefore, it has been classified as a Variant of Uncertain Significance. This sequence change creates a premature translational stop signal (p.Glu351*) in the EXTL3 gene. It is expected to result in an absent or disrupted protein product. However, the current clinical and genetic evidence is not sufficient to establish whether loss-of-function variants in EXTL3 cause disease. This variant is not present in population databases (ExAC no frequency). This variant has not been reported in the literature in individuals affected with EXTL3-related conditions.